The following is an entry in ClinVar:

ClinVar aggregate classification (germline): Pathogenic (1 of 4 stars; one submission).

Submission:

Labcorp Genetics (formerly Invitae), Labcorp
Classification: Pathogenic. Last evaluated: 2024-02-20. Review status: criteria provided, single submitter. Criteria: Invitae Variant Classification Sherloc (09022015). Collection method: clinical testing. Allele origin: germline.
Comment: This sequence change creates a premature translational stop signal (p.Thr323Glnfs*59) in the COL11A2 gene. It is expected to result in an absent or disrupted protein product. Loss-of-function variants in COL11A2 are known to be pathogenic (PMID: 10677296, 21204229). The frequency data for this variant in the population databases is considered unreliable, as metrics indicate poor data quality at this position in the gnomAD database. This variant has not been reported in the literature in individuals affected with COL11A2-related conditions. ClinVar contains an entry for this variant (Variation ID: 2130254). For these reasons, this variant has been classified as Pathogenic.

Literature cited by the submitters: PubMed 10677296; PubMed 21204229.

NM_080680.3(COL11A2):c.966del (p.Thr323fs)

Gene: COL11A2 (collagen type XI alpha 2 chain; minus strand). Cytogenetic location: 6p21.32.
Variant type: Deletion.
Coding change: c.966del on transcript NM_080680.3 (MANE Select); coding-DNA position 966, one base deleted (C; older notation c.966delC).
Protein change: p.Thr323fs; shifts the reading frame from threonine 323.
Molecular consequence: frameshift variant. On other transcripts: intron variant (2).
Genome position (GRCh38, 1-based): chr6:33,184,298, G deleted on the plus strand (C on the coding strand, the reverse complement: COL11A2 is on the minus strand); the first of 7 consecutive G bases (chr6:33,184,298-33,184,304); deleting any one gives the same sequence. VCF-style (leftmost placement, unchanged base first): chr6-33184297-TG-T. GRCh37 (hg19) VCF-style: chr6-33152074-TG-T.
Other names: c.798+2329del (NM_080679.3); c.861+694del (NM_080681.3); short protein forms T323fs.
Identifiers: ClinVar variation 2130254 (VCV002130254.4), dbSNP rs748440351, ClinGen allele CA566409891.
Genomic context (GRCh38, chr6:33,184,297, plus strand): 5'-GCCCTTCAGGGGGGTCTGTGCCACCCTCCCCATATTCCTCTGCCTGGAACCTGTCGGCTG[TG>T]GGGGGGACCTGGAGATCTGTCTGCTCCTTCCCAGGGATGGGGAGGGAGAGGGGTAGATGG-3'